The following is an entry in ClinVar:

ClinVar aggregate classification (germline): Uncertain significance. Review status: criteria provided, multiple submitters, no conflicts (2 of 4 stars). 2 submissions from 2 submitters: Uncertain significance (2). Last evaluated 2025-04-03.

Conditions:
Left ventricular noncompaction 8 (LVNC8). Identifiers: Orphanet 154, Orphanet 54260, MedGen C3809288, MONDO:0014152, OMIM 615373.

Allele frequency attached by ClinVar (database versions not stated): TOPMed 0.00001; gnomAD exomes 0.00003.
gnomAD v4.1: 43 of 1,606,962 alleles (0.0027%); highest among the groups gnomAD compares: Non-Finnish European, 0.0033%; no homozygotes.

Submissions (2):

Labcorp Genetics (formerly Invitae), Labcorp
Classification: Uncertain significance for Left ventricular noncompaction 8. Last evaluated: 2025-04-03. Review status: criteria provided, single submitter. Criteria: Invitae Variant Classification Sherloc (09022015). Collection method: clinical testing. Allele origin: germline.
Comment: This sequence change replaces valine, which is neutral and non-polar, with methionine, which is neutral and non-polar, at codon 361 of the PRDM16 protein (p.Val361Met). This variant is not present in population databases (gnomAD no frequency). This variant has not been reported in the literature in individuals affected with PRDM16-related conditions. ClinVar contains an entry for this variant (Variation ID: 229155). An algorithm developed to predict the effect of missense changes on protein structure and function (PolyPhen-2) suggests that this variant is likely to be disruptive. In summary, the available evidence is currently insufficient to determine the role of this variant in disease. Therefore, it has been classified as a Variant of Uncertain Significance.

Laboratory for Molecular Medicine, Mass General Brigham Personalized Medicine
Classification: Uncertain significance. Last evaluated: 2018-05-10. Review status: criteria provided, single submitter. Criteria: LMM Criteria. Collection method: clinical testing. Allele origin: germline. Observed: 1 variant allele.
Comment: proposed classification - variant undergoing re-assessment, contact laboratory

NM_022114.4(PRDM16):c.1081G>A (p.Val361Met)

Gene: PRDM16 (PR/SET domain 16; plus strand). Cytogenetic location: 1p36.32.
Variant type: single nucleotide variant.
Coding change: c.1081G>A on transcript NM_022114.4 (MANE Select); coding-DNA position 1081, G replaced by A.
Protein change: p.Val361Met; replaces valine 361 with methionine.
Molecular consequence: missense variant.
Genome position (GRCh38, 1-based): chr1:3,405,543, G>A. VCF-style: chr1-3405543-G-A. GRCh37 (hg19) VCF-style: chr1-3322107-G-A.
Other names: c.1081G>A, p.Val361Met (NM_199454.3); short protein forms V361M.
Identifiers: ClinVar variation 229155 (VCV000229155.12), dbSNP rs876657957, ClinGen allele CA10576418.